The following is an entry in ClinVar:

NM_000138.5(FBN1):c.3408C>A (p.Tyr1136Ter)

Gene: FBN1 (fibrillin 1; minus strand). Cytogenetic location: 15q21.1.
Variant type: single nucleotide variant.
Coding change: c.3408C>A on transcript NM_000138.5 (MANE Select); coding-DNA position 3408, C replaced by A.
Protein change: p.Tyr1136Ter; replaces tyrosine 1136 with a stop codon.
Molecular consequence: nonsense.
Genome position (GRCh38, 1-based): chr15:48,487,367, G>T on the plus strand (C>A on the coding strand, the complement: FBN1 is on the minus strand). VCF-style: chr15-48487367-G-T. GRCh37 (hg19) VCF-style: chr15-48779564-G-T.
Other names: short protein forms Y1136*.
Identifiers: ClinVar variation 527176 (VCV000527176.10), dbSNP rs1555398564, ClinGen allele CA392326422.

ClinVar aggregate classification (germline): Pathogenic. Review status: criteria provided, multiple submitters, no conflicts (2 of 4 stars). 3 submissions from 3 submitters: Pathogenic (3). Last evaluated 2025-03-13.

Conditions:
Cardiovascular phenotype. Identifiers: MedGen CN230736.
Familial thoracic aortic aneurysm and aortic dissection (TAAD). Also called: Thoracic aortic aneurysms and dissections. Identifiers: Orphanet 91387, MedGen C4707243, MONDO:0019625.
Marfan syndrome (MFS). Also called: Marfan syndrome type 1; Marfan syndrome, classic; Marfan's syndrome; FBN1-Related Marfan Syndrome; MARFAN SYNDROME, TYPE I. Identifiers: Orphanet 284963, Orphanet 558, MedGen C0024796, MONDO:0007947, OMIM 154700.
FBN1-related disorder. Also called: FBN1-related disorders.

Submissions (3):

Labcorp Genetics (formerly Invitae), Labcorp
Classification: Pathogenic for Marfan syndrome; Familial thoracic aortic aneurysm and aortic dissection. Last evaluated: 2025-03-13. Review status: criteria provided, single submitter. Criteria: Invitae Variant Classification Sherloc (09022015). Collection method: clinical testing. Allele origin: germline.
Comment: This sequence change creates a premature translational stop signal (p.Tyr1136*) in the FBN1 gene. It is expected to result in an absent or disrupted protein product. Loss-of-function variants in FBN1 are known to be pathogenic (PMID: 17657824, 19293843). This variant is not present in population databases (gnomAD no frequency). A different variant (c.3408C>G) giving rise to the same protein effect has been determined to be pathogenic (PMID: 18435798). This suggests that this variant is also likely to be causative of disease. ClinVar contains an entry for this variant (Variation ID: 527176). For these reasons, this variant has been classified as Pathogenic.

Molecular Diagnostic Laboratory for Inherited Cardiovascular Disease, Montreal Heart Institute
Classification: Pathogenic for Cardiovascular phenotype. Last evaluated: 2023-05-15. Review status: criteria provided, single submitter. Criteria: ACMG Guidelines, 2015. Collection method: clinical testing. Allele origin: germline. Affected: yes.

Blueprint Genetics
Classification: Pathogenic for FBN1-related disorders. Last evaluated: 2021-02-05. Review status: criteria provided, single submitter. Criteria: ACMG Guidelines, 2015. Collection method: clinical testing. Allele origin: germline. Affected: yes. Observed: 1 variant allele.

Literature cited by the submitters: PubMed 17657824 (cited by Labcorp Genetics (formerly Invitae), Labcorp); PubMed 19293843 (cited by Labcorp Genetics (formerly Invitae), Labcorp); PubMed 18435798 (cited by Labcorp Genetics (formerly Invitae), Labcorp).